The following is an entry in ClinVar:

NM_001374385.1(ATP8B1):c.3182A>T (p.Gln1061Leu)

Genes: ATP8B1 (ATPase phospholipid transporting 8B1; minus strand), ATP8B1-AS1 (ATP8B1 antisense RNA 1; plus strand). Cytogenetic location: 18q21.31.
Variant type: single nucleotide variant.
Coding change: c.3182A>T on transcript NM_001374385.1 (MANE Select); coding-DNA position 3182, A replaced by T.
Protein change: p.Gln1061Leu; replaces glutamine 1061 with leucine.
Molecular consequence: missense variant.
Genome position (GRCh38, 1-based): chr18:57,652,563, T>A on the plus strand (A>T on the coding strand, the complement: ATP8B1 is on the minus strand). VCF-style: chr18-57652563-T-A. GRCh37 (hg19) VCF-style: chr18-55319795-T-A.
Other names: c.3032A>T, p.Gln1011Leu (NM_001374386.1); c.3182A>T, p.Gln1061Leu (NM_005603.6); short protein forms Q1011L, Q1061L.
Identifiers: ClinVar variation 4846266 (VCV004846266.1).

ClinVar aggregate classification (germline): Uncertain significance (1 of 4 stars; one submission).

Conditions:
Familial intrahepatic cholestasis. Identifiers: Orphanet 284385, MedGen CN296401, MONDO:0017290.

Submission:

Genomenon, Inc
Classification: Uncertain significance for Familial intrahepatic cholestasis. Last evaluated: 2026-04-14. Review status: criteria provided, single submitter. Criteria: Genomenon Sequence Variant Interpretation Standards - Updated. Collection method: curation. Allele origin: germline. Affected: no.
Comment: ATP8B1 p.Gln1061Leu (c.3182A>T) is a missense variant that changes the amino acid at residue 1061 from Glutamine to Leucine. This variant has been reported in the published literature (PMID:37208429). It is absent or not present at a significant frequency in gnomAD. In silico models predict that this variant is not damaging. In conclusion, we classify ATP8B1 p.Gln1061Leu (c.3182A>T) as a variant of uncertain significance.

Literature cited by the submitters: PubMed 37208429.